The following is an entry in ClinVar:

NM_001848.3(COL6A1):c.1060A>T (p.Ile354Phe)

Gene: COL6A1 (collagen type VI alpha 1 chain; plus strand). Cytogenetic location: 21q22.3.
Variant type: single nucleotide variant.
Coding change: c.1060A>T on transcript NM_001848.3 (MANE Select); coding-DNA position 1060, A replaced by T.
Protein change: p.Ile354Phe; replaces isoleucine 354 with phenylalanine.
Molecular consequence: missense variant.
Genome position (GRCh38, 1-based): chr21:45,990,982, A>T. VCF-style: chr21-45990982-A-T. GRCh37 (hg19) VCF-style: chr21-47410896-A-T.
Other names: short protein forms I354F.
Identifiers: ClinVar variation 1426020 (VCV001426020.6), dbSNP rs1179596064, ClinGen allele CA410523576.

ClinVar aggregate classification (germline): Uncertain significance (1 of 4 stars; one submission).

Conditions:
Bethlem myopathy 1A. Also called: MYOPATHY, BENIGN CONGENITAL, WITH CONTRACTURES; Bethlem Muscular Dystrophy; Bethlem myopathy 1. Identifiers: Orphanet 610, MedGen CN029274, MONDO:0024530, OMIM 158810.

Allele frequency attached by ClinVar (database versions not stated): gnomAD 0.00001 and 0.00002; TOPMed 0.00002.
gnomAD v4.1: 4 of 1,613,220 alleles (0.00025%); highest among the groups gnomAD compares: Admixed American, 0.0017%; no homozygotes.

Submission:

Labcorp Genetics (formerly Invitae), Labcorp
Classification: Uncertain significance for Bethlem myopathy 1A. Last evaluated: 2024-09-23. Review status: criteria provided, single submitter. Criteria: Invitae Variant Classification Sherloc (09022015). Collection method: clinical testing. Allele origin: germline.
Comment: This sequence change replaces isoleucine, which is neutral and non-polar, with phenylalanine, which is neutral and non-polar, at codon 354 of the COL6A1 protein (p.Ile354Phe). This variant is not present in population databases (gnomAD no frequency). This variant has not been reported in the literature in individuals affected with COL6A1-related conditions. ClinVar contains an entry for this variant (Variation ID: 1426020). Invitae Evidence Modeling of protein sequence and biophysical properties (such as structural, functional, and spatial information, amino acid conservation, physicochemical variation, residue mobility, and thermodynamic stability) indicates that this missense variant is not expected to disrupt COL6A1 protein function with a negative predictive value of 80%. In summary, the available evidence is currently insufficient to determine the role of this variant in disease. Therefore, it has been classified as a Variant of Uncertain Significance.